The following is an entry in ClinVar:

NM_016123.4(IRAK4):c.1282G>A (p.Ala428Thr)

Gene: IRAK4 (interleukin 1 receptor associated kinase 4; plus strand). Cytogenetic location: 12q12.
Variant type: single nucleotide variant.
Coding change: c.1282G>A on transcript NM_016123.4 (MANE Select); coding-DNA position 1282, G replaced by A.
Protein change: p.Ala428Thr; replaces alanine 428 with threonine.
Molecular consequence: missense variant.
Genome position (GRCh38, 1-based): chr12:43,786,492, G>A. VCF-style: chr12-43786492-G-A. GRCh37 (hg19) VCF-style: chr12-44180295-G-A.
Other names: c.1282G>A, p.Ala428Thr (NM_001114182.3, NM_001351345.2); c.910G>A, p.Ala304Thr (NM_001145256.2, NM_001145257.2, NM_001145258.2 and 5 more transcripts); c.673G>A, p.Ala225Thr (NM_001351343.2, NM_001351344.2); short protein forms A428T, A225T, A304T.
Identifiers: ClinVar variation 308732 (VCV000308732.22), dbSNP rs4251545, ClinGen allele CA6522626.

ClinVar aggregate classification (germline): Benign/Likely benign. Review status: criteria provided, multiple submitters, no conflicts (2 of 4 stars). 7 submissions from 7 submitters: Benign (6); Likely benign (1). Last evaluated 2026-02-04.

Conditions:
Immunodeficiency 67. Also called: Immunodeficiency due to interleukin-1 receptor-associated kinase-4 deficiency. Identifiers: Orphanet 70592, MedGen C1843256, MONDO:0011888, OMIM 607676.

Allele frequency attached by ClinVar (database versions not stated): gnomAD exomes 0.09887 and 0.11364; gnomAD 0.15022 and 0.14768; ESP Exome Variant Server 0.15751; TOPMed 0.15769; 1000 Genomes Project 0.17053; 1000 Genomes Project 30x 0.17239; ExAC 0.11550.
gnomAD v4.1: 167,824 of 1,612,510 alleles (10%); highest among the groups gnomAD compares: African/African-American, 28%; 10,368 homozygotes.

Submissions (7):

Labcorp Genetics (formerly Invitae), Labcorp
Classification: Benign for Immunodeficiency 67. Last evaluated: 2026-02-04. Review status: criteria provided, single submitter. Criteria: Invitae Variant Classification Sherloc (09022015). Collection method: clinical testing. Allele origin: germline.

Blueprint Genetics
Classification: Likely benign. Last evaluated: 2024-11-27. Review status: criteria provided, single submitter. Criteria: ACMG Guidelines, 2015. Collection method: clinical testing. Allele origin: germline.

Unidad de Genómica Garrahan, Hospital de Pediatría Garrahan
Classification: Benign. Last evaluated: 2023-11-12. Review status: criteria provided, single submitter. Criteria: ACMG Guidelines, 2015. Collection method: clinical testing. Allele origin: germline. Affected: no. Observed: 26 variant alleles.
Comment: This variant is classified as Benign based on local population frequency. This variant was detected in 27% of patients studied by a panel of primary immunodeficiencies. Number of patients: 26. Only high quality variants are reported.

Illumina Laboratory Services, Illumina
Classification: Benign for Immunodeficiency 67. Last evaluated: 2018-03-06. Review status: criteria provided, single submitter. Criteria: ICSL Variant Classification Criteria 13 December 2019. Collection method: clinical testing. Allele origin: germline.
Comment: This variant was observed in the ICSL laboratory as part of a predisposition screen in an ostensibly healthy population. It had not been previously curated by ICSL or reported in the Human Gene Mutation Database (HGMD: prior to June 1st, 2018), and was therefore a candidate for classification through an automated scoring system. Utilizing variant allele frequency, disease prevalence and penetrance estimates, and inheritance mode, an automated score was calculated to assess if this variant is too frequent to cause the disease. Based on the score and internal cut-off values, a variant classified as benign is not then subjected to further curation. The score for this variant resulted in a classification of benign for this disease.

Laboratory for Molecular Medicine, Mass General Brigham Personalized Medicine
Classification: Benign. Last evaluated: 2016-03-28. Review status: criteria provided, single submitter. Criteria: LMM Criteria. Collection method: clinical testing. Allele origin: germline.
Comment: Variant identified in a genome or exome case(s) and assessed due to predicted null impact of the variant or pathogenic assertions in the literature or databases. Disclaimer: This variant has not undergone full assessment. The following are preliminary notes: 1 paper claims increased risk of gram positive infection

GeneDx
Classification: Benign. Last evaluated: 2015-03-03. Review status: criteria provided, single submitter. Criteria: GeneDx Variant Classification Process June 2021. Collection method: clinical testing. Allele origin: germline. Affected: yes.
Comment: This variant is associated with the following publications: (PMID: 21576904)

Breakthrough Genomics
Classification: Benign. Review status: criteria provided, single submitter. Criteria: ACMG Guidelines, 2015. Collection method: not provided. Allele origin: germline. Inheritance: Autosomal recessive inheritance. Affected: yes.